The following is an entry in ClinVar:

ClinVar aggregate classification (germline): Conflicting classifications of pathogenicity. Review status: criteria provided, conflicting classifications (1 of 4 stars). 2 submissions from 2 submitters: Uncertain significance (1); Likely benign (1). Last evaluated 2024-07-30.

Conditions:
Hereditary cancer-predisposing syndrome. Also called: Tumor predisposition; Hereditary neoplastic syndrome; Hereditary Cancer Syndrome; Neoplastic Syndromes, Hereditary. Identifiers: Orphanet 140162, MedGen C0027672, MeSH D009386, MONDO:0015356.
Hereditary breast ovarian cancer syndrome. Also called: BRCA1- and BRCA2-Associated Hereditary Breast and Ovarian Cancer; Hereditary breast and ovarian cancer; Hereditary breast and/or ovarian cancer syndrome; Hereditary breast and ovarian cancer syndrome; Hereditary breast and ovarian cancer syndrome (HBOC); Breast and ovarian cancer. Identifiers: Orphanet 145, MedGen C0677776, MeSH D061325, MONDO:0003582. Disease mechanism: loss of function.

Submissions (2):

Labcorp Genetics (formerly Invitae), Labcorp
Classification: Uncertain significance for Hereditary breast ovarian cancer syndrome. Last evaluated: 2024-07-30. Review status: criteria provided, single submitter. Criteria: Invitae Variant Classification Sherloc (09022015). Collection method: clinical testing. Allele origin: germline.
Comment: This sequence change replaces serine, which is neutral and polar, with alanine, which is neutral and non-polar, at codon 451 of the BRCA1 protein (p.Ser451Ala). This variant is not present in population databases (gnomAD no frequency). This variant has not been reported in the literature in individuals affected with BRCA1-related conditions. ClinVar contains an entry for this variant (Variation ID: 961857). Advanced modeling of protein sequence and biophysical properties (such as structural, functional, and spatial information, amino acid conservation, physicochemical variation, residue mobility, and thermodynamic stability) performed at Invitae indicates that this missense variant is not expected to disrupt BRCA1 protein function with a negative predictive value of 95%. In summary, the available evidence is currently insufficient to determine the role of this variant in disease. Therefore, it has been classified as a Variant of Uncertain Significance.

University of Washington Department of Laboratory Medicine, University of Washington
Classification: Likely benign for Hereditary cancer-predisposing syndrome. Last evaluated: 2023-03-23. Review status: criteria provided, single submitter. Criteria: Dines et al. (Genet Med. 2020). Collection method: curation. Allele origin: germline.
Comment: Missense variant in a coldspot region where missense variants are very unlikely to be pathogenic (PMID:31911673).

BRCA1 coldspot (exon 11 using historical exon numbering). Reclassification based on statistical prior probability

NM_007294.4(BRCA1):c.1351T>G (p.Ser451Ala)

Gene: BRCA1 (BRCA1 DNA repair associated; minus strand). Cytogenetic location: 17q21.31.
Variant type: single nucleotide variant.
Coding change: c.1351T>G on transcript NM_007294.4 (MANE Select); coding-DNA position 1351, T replaced by G.
Protein change: p.Ser451Ala; replaces serine 451 with alanine.
Molecular consequence: missense variant. On other transcripts: intron variant (137).
Genome position (GRCh38, 1-based): chr17:43,094,180, A>C on the plus strand (T>G on the coding strand, the complement: BRCA1 is on the minus strand). VCF-style: chr17-43094180-A-C. GRCh37 (hg19) VCF-style: chr17-41246197-A-C.
Other names: c.1138T>G, p.Ser380Ala (NM_001407571.1, NM_001407853.1, NM_001407894.1 and 9 more transcripts); c.1351T>G, p.Ser451Ala (NM_001407581.1, NM_001407582.1, NM_001407583.1 and 30 more transcripts); c.1348T>G, p.Ser450Ala (NM_001407587.1, NM_001407590.1, NM_001407591.1 and 22 more transcripts); c.1342T>G, p.Ser448Ala (NM_001407646.1, NM_001407647.1); c.1228T>G, p.Ser410Ala (NM_001407648.1, NM_001407664.1, NM_001407665.1 and 19 more transcripts); c.1225T>G, p.Ser409Ala (NM_001407649.1, NM_001407670.1, NM_001407671.1 and 11 more transcripts); c.1273T>G, p.Ser425Ala (NM_001407653.1, NM_001407654.1, NM_001407655.1 and 4 more transcripts); c.1270T>G, p.Ser424Ala (NM_001407659.1, NM_001407660.1, NM_001407661.1 and 1 more transcripts); and 40 more; short protein forms S404A, S451A, S323A, S383A, S425A, S283A, S339A, S362A.
Identifiers: ClinVar variation 961857 (VCV000961857.13), dbSNP rs2053952551, ClinGen allele CA10599345.
Genomic context (GRCh38, chr17:43,094,180, plus strand): 5'-GGCTTGCCTTCTTCCGATAGGTTTTCCCAAATATTTTGTCTTCAATATTACTCTCTACTG[A>C]TTTGGAGTGAACTCTTTCACTTTTACATATTAAAGCCTCATGAGGATCACTGGCCAGTAA-3'
Protein context (NP_009225.1, residues 441-461): ICKSERVHSK[Ser451Ala]VESNIEDKIF